The following is an entry in ClinVar:

ClinVar aggregate classification (germline): Uncertain significance (1 of 4 stars; one submission).

Allele frequency attached by ClinVar (database versions not stated): gnomAD exomes below 0.00001.
gnomAD v4.1: 2 of 1,613,778 alleles (0.00012%); highest among the groups gnomAD compares: Non-Finnish European, 0.00017%; no homozygotes.

Submission:

Ambry Genetics
Classification: Uncertain significance. Last evaluated: 2021-06-13. Review status: criteria provided, single submitter. Criteria: Ambry Variant Classification Scheme 2023. Collection method: clinical testing. Allele origin: germline.
Comment: The p.M989V variant (also known as c.2965A>G), located in coding exon 26 of the PRKDC gene, results from an A to G substitution at nucleotide position 2965. The methionine at codon 989 is replaced by valine, an amino acid with highly similar properties. This amino acid position is conserved. In addition, the in silico prediction for this alteration is inconclusive. Since supporting evidence is limited at this time, the clinical significance of this alteration remains unclear.

NM_006904.7(PRKDC):c.2965A>G (p.Met989Val)

Gene: PRKDC (protein kinase, DNA-activated, catalytic subunit; minus strand). Cytogenetic location: 8q11.21.
Variant type: single nucleotide variant.
Coding change: c.2965A>G on transcript NM_006904.7 (MANE Select); coding-DNA position 2965, A replaced by G.
Protein change: p.Met989Val; replaces methionine 989 with valine.
Molecular consequence: missense variant.
Genome position (GRCh38, 1-based): chr8:47,904,946, T>C on the plus strand (A>G on the coding strand, the complement: PRKDC is on the minus strand). VCF-style: chr8-47904946-T-C. GRCh37 (hg19) VCF-style: chr8-48817506-T-C.
Other names: c.2965A>G, p.Met989Val (NM_001081640.2); short protein forms M989V.
Identifiers: ClinVar variation 1798210 (VCV001798210.2), dbSNP rs1184908540, ClinGen allele CA371157541.